The following is an entry in ClinVar:

NM_004360.5(CDH1):c.215A>T (p.Asp72Val)

Gene: CDH1 (cadherin 1; plus strand). Cytogenetic location: 16q22.1.
Variant type: single nucleotide variant.
Coding change: c.215A>T on transcript NM_004360.5 (MANE Select); coding-DNA position 215, A replaced by T.
Protein change: p.Asp72Val; replaces aspartic acid 72 with valine.
Molecular consequence: missense variant. On other transcripts: 5 prime UTR variant (2).
Genome position (GRCh38, 1-based): chr16:68,801,721, A>T. VCF-style: chr16-68801721-A-T. GRCh37 (hg19) VCF-style: chr16-68835624-A-T.
Other names: c.215A>T, p.Asp72Val (NM_001317184.2); c.-1401A>T (NM_001317185.2); c.-1605A>T (NM_001317186.2); short protein forms D72V.
Identifiers: ClinVar variation 1786862 (VCV001786862.5), dbSNP rs2152126684, ClinGen allele CA396457178.
Genomic context (GRCh38, chr16:68,801,721, plus strand): 5'-GCCCTGCAGTGAATTTTGAAGATTGCACCGGTCGACAAAGGACAGCCTATTTTTCCCTCG[A>T]CACCCGATTCAAAGTGGGCACAGATGGTGTGATTACAGTCAAAAGGCCTCTACGGTTTCA-3'
Protein context (NP_004351.1, residues 62-82): GRQRTAYFSL[Asp72Val]TRFKVGTDGV

ClinVar aggregate classification (germline): Uncertain significance. Review status: criteria provided, multiple submitters, no conflicts (2 of 4 stars). 2 submissions from 2 submitters: Uncertain significance (2). Last evaluated 2023-03-21.

Conditions:
Hereditary cancer-predisposing syndrome. Also called: Tumor predisposition; Neoplastic Syndromes, Hereditary; Hereditary Cancer Syndrome; Hereditary neoplastic syndrome. Identifiers: Orphanet 140162, MedGen C0027672, MeSH D009386, MONDO:0015356.
Hereditary diffuse gastric adenocarcinoma (HDGC). Also called: DIFFUSE GASTRIC AND LOBULAR BREAST CANCER SYNDROME. Identifiers: Orphanet 26106, MedGen C1708349, MONDO:0007648, OMIM 137215.

Submissions (2):

Labcorp Genetics (formerly Invitae), Labcorp
Classification: Uncertain significance for Hereditary diffuse gastric adenocarcinoma. Last evaluated: 2023-03-21. Review status: criteria provided, single submitter. Criteria: Invitae Variant Classification Sherloc (09022015). Collection method: clinical testing. Allele origin: germline.
Comment: In summary, the available evidence is currently insufficient to determine the role of this variant in disease. Therefore, it has been classified as a Variant of Uncertain Significance. An algorithm developed to predict the effect of missense changes on protein structure and function (PolyPhen-2) suggests that this variant is likely to be disruptive. ClinVar contains an entry for this variant (Variation ID: 1786862). This variant has not been reported in the literature in individuals affected with CDH1-related conditions. This variant is not present in population databases (gnomAD no frequency). This sequence change replaces aspartic acid, which is acidic and polar, with valine, which is neutral and non-polar, at codon 72 of the CDH1 protein (p.Asp72Val).

Ambry Genetics
Classification: Uncertain significance for Hereditary cancer-predisposing syndrome. Last evaluated: 2021-10-26. Review status: criteria provided, single submitter. Criteria: Ambry Variant Classification Scheme 2023. Collection method: clinical testing. Allele origin: germline.
Comment: The p.D72V variant (also known as c.215A>T), located in coding exon 3 of the CDH1 gene, results from an A to T substitution at nucleotide position 215. The aspartic acid at codon 72 is replaced by valine, an amino acid with highly dissimilar properties. This amino acid position is highly conserved in available vertebrate species. In addition, the in silico prediction for this alteration is inconclusive. Since supporting evidence is limited at this time, the clinical significance of this alteration remains unclear.